The following is an entry in ClinVar:

NM_000429.3(MAT1A):c.829C>T (p.His277Tyr)

Gene: MAT1A (methionine adenosyltransferase 1A; minus strand). Cytogenetic location: 10q22.3.
Variant type: single nucleotide variant.
Coding change: c.829C>T on transcript NM_000429.3 (MANE Select); coding-DNA position 829, C replaced by T.
Protein change: p.His277Tyr; replaces histidine 277 with tyrosine.
Molecular consequence: missense variant.
Genome position (GRCh38, 1-based): chr10:80,275,139, G>A on the plus strand (C>T on the coding strand, the complement: MAT1A is on the minus strand). VCF-style: chr10-80275139-G-A. GRCh37 (hg19) VCF-style: chr10-82034895-G-A.
Other names: c.829C>T (NM_000429.2); short protein forms H277Y.
Identifiers: ClinVar variation 1927181 (VCV001927181.6), dbSNP rs771536750, ClinGen allele CA5576691.

ClinVar aggregate classification (germline): Conflicting classifications of pathogenicity. Review status: criteria provided, conflicting classifications (1 of 4 stars). 2 submissions from 2 submitters: Likely pathogenic (1); Uncertain significance (1). Last evaluated 2025-07-27.

Conditions:
Hepatic methionine adenosyltransferase deficiency. Also called: Isolated Persistent Hypermethioninemia; Deficiency of methionine adenosyltransferase; MAT I/III DEFICIENCY; Methionine adenosyltransferase deficiency. Identifiers: Orphanet 168598, MedGen C0268621, MeSH C564683, MONDO:0009607, OMIM 250850.

Allele frequency attached by ClinVar (database versions not stated): gnomAD exomes below 0.00001; TOPMed below 0.00001; ExAC 0.00002.

Submissions (2):

Labcorp Genetics (formerly Invitae), Labcorp
Classification: Likely pathogenic for Hepatic methionine adenosyltransferase deficiency. Last evaluated: 2025-07-27. Review status: criteria provided, single submitter. Criteria: Invitae Variant Classification Sherloc (09022015). Collection method: clinical testing. Allele origin: germline.
Comment: This sequence change replaces histidine, which is basic and polar, with tyrosine, which is neutral and polar, at codon 277 of the MAT1A protein (p.His277Tyr). This variant is present in population databases (rs771536750, gnomAD 0.005%). This missense change has been observed in individual(s) with autosomal recessive hypermethioninemia (internal data). In at least one individual the data is consistent with being in trans (on the opposite chromosome) from a pathogenic variant. ClinVar contains an entry for this variant (Variation ID: 1927181). Invitae Evidence Modeling of protein sequence and biophysical properties (such as structural, functional, and spatial information, amino acid conservation, physicochemical variation, residue mobility, and thermodynamic stability) indicates that this missense variant is expected to disrupt MAT1A protein function with a positive predictive value of 80%. In summary, the currently available evidence indicates that the variant is pathogenic, but additional data are needed to prove that conclusively. Therefore, this variant has been classified as Likely Pathogenic.

GeneDx
Classification: Uncertain significance. Last evaluated: 2023-12-08. Review status: criteria provided, single submitter. Criteria: GeneDx Variant Classification Process June 2021. Collection method: clinical testing. Allele origin: germline. Affected: yes.
Comment: In silico analysis supports that this missense variant has a deleterious effect on protein structure/function; Has not been previously published as pathogenic or benign to our knowledge